The following is an entry in ClinVar:

ClinVar aggregate classification (germline): Uncertain significance (1 of 4 stars; one submission).

Conditions:
Adams-Oliver syndrome 5 (AOS5). Identifiers: Orphanet 974, MedGen C4014970, MONDO:0014459, OMIM 616028.

Submission:

Labcorp Genetics (formerly Invitae), Labcorp
Classification: Uncertain significance for Adams-Oliver syndrome 5. Last evaluated: 2025-12-30. Review status: criteria provided, single submitter. Criteria: Invitae Variant Classification Sherloc (09022015). Collection method: clinical testing. Allele origin: germline.
Comment: This sequence change replaces glutamic acid, which is acidic and polar, with aspartic acid, which is acidic and polar, at codon 1595 of the NOTCH1 protein (p.Glu1595Asp). This variant is not present in population databases (gnomAD no frequency). This variant has not been reported in the literature in individuals affected with NOTCH1-related conditions. Invitae Evidence Modeling of protein sequence and biophysical properties (such as structural, functional, and spatial information, amino acid conservation, physicochemical variation, residue mobility, and thermodynamic stability) indicates that this missense variant is not expected to disrupt NOTCH1 protein function with a negative predictive value of 80%. In summary, the available evidence is currently insufficient to determine the role of this variant in disease. Therefore, it has been classified as a Variant of Uncertain Significance.

NM_017617.5(NOTCH1):c.4785G>C (p.Glu1595Asp)

Gene: NOTCH1 (notch receptor 1; minus strand). Cytogenetic location: 9q34.3.
Variant type: single nucleotide variant.
Coding change: c.4785G>C on transcript NM_017617.5 (MANE Select); coding-DNA position 4785, G replaced by C.
Protein change: p.Glu1595Asp; replaces glutamic acid 1595 with aspartic acid.
Molecular consequence: missense variant.
Genome position (GRCh38, 1-based): chr9:136,504,906, C>G on the plus strand (G>C on the coding strand, the complement: NOTCH1 is on the minus strand). VCF-style: chr9-136504906-C-G. GRCh37 (hg19) VCF-style: chr9-139399358-C-G.
Other names: short protein forms E1595D.
Identifiers: ClinVar variation 4742088 (VCV004742088.1).
Genomic context (GRCh38, chr9:136,504,906, plus strand): 5'-CATCTGCTGGCCGTGTGCGTCACGCTTGAAGACCACGTTGGTGTGCAGCACGCGGCTGAG[C>G]TCCCGCAGGAAGTGGAAGGAGCTGTTGCGCAGCTGCTCCGGCGGCATCAGCACCACCACC-3'
Protein context (NP_060087.3, residues 1585-1605): LRNSSFHFLR[Glu1595Asp]LSRVLHTNVV